The following is an entry in ClinVar:

NM_024757.5(EHMT1):c.1820G>C (p.Ser607Thr)

Gene: EHMT1 (euchromatic histone lysine methyltransferase 1; plus strand). Cytogenetic location: 9q34.3.
Variant type: single nucleotide variant.
Coding change: c.1820G>C on transcript NM_024757.5 (MANE Select); coding-DNA position 1820, G replaced by C.
Protein change: p.Ser607Thr; replaces serine 607 with threonine.
Molecular consequence: missense variant.
Genome position (GRCh38, 1-based): chr9:137,776,646, G>C. VCF-style: chr9-137776646-G-C. GRCh37 (hg19) VCF-style: chr9-140671098-G-C.
Other names: c.1820G>C, p.Ser607Thr (NM_001145527.2); c.1727G>C, p.Ser576Thr (NM_001354259.2); c.1799G>C, p.Ser600Thr (NM_001354263.2); short protein forms S607T, S576T, S600T.
Identifiers: ClinVar variation 1349919 (VCV001349919.8), dbSNP rs2136683755, ClinGen allele CA375775704.

ClinVar aggregate classification (germline): Uncertain significance (1 of 4 stars; one submission).

Conditions:
Kleefstra syndrome 1 (KLEFS1). Identifiers: Orphanet 261494, MedGen C0795833, MONDO:0027407, OMIM 610253.

Submission:

Labcorp Genetics (formerly Invitae), Labcorp
Classification: Uncertain significance for Kleefstra syndrome 1. Last evaluated: 2021-04-29. Review status: criteria provided, single submitter. Criteria: Invitae Variant Classification Sherloc (09022015). Collection method: clinical testing. Allele origin: germline.
Comment: Algorithms developed to predict the effect of missense changes on protein structure and function are either unavailable or do not agree on the potential impact of this missense change (SIFT: "Tolerated"; PolyPhen-2: "Possibly Damaging"; Align-GVGD: "Class C0"). This sequence change replaces serine with threonine at codon 607 of the EHMT1 protein (p.Ser607Thr). The serine residue is moderately conserved and there is a small physicochemical difference between serine and threonine. This variant is not present in population databases (ExAC no frequency). This variant has not been reported in the literature in individuals with EHMT1-related conditions. In summary, the available evidence is currently insufficient to determine the role of this variant in disease. Therefore, it has been classified as a Variant of Uncertain Significance.